The following is an entry in ClinVar:

NM_001845.6(COL4A1):c.4693A>G (p.Ile1565Val)

Gene: COL4A1 (collagen type IV alpha 1 chain; minus strand). Cytogenetic location: 13q34.
Variant type: single nucleotide variant.
Coding change: c.4693A>G on transcript NM_001845.6 (MANE Select); coding-DNA position 4693, A replaced by G.
Protein change: p.Ile1565Val; replaces isoleucine 1565 with valine.
Molecular consequence: missense variant.
Genome position (GRCh38, 1-based): chr13:110,155,345, T>C on the plus strand (A>G on the coding strand, the complement: COL4A1 is on the minus strand). VCF-style: chr13-110155345-T-C. GRCh37 (hg19) VCF-style: chr13-110807692-T-C.
Other names: c.4693A>G (NM_001845.4); short protein forms I1565V.
Identifiers: ClinVar variation 2696257 (VCV002696257.4), dbSNP rs1876733964, ClinGen allele CA388655700.

ClinVar aggregate classification (germline): Uncertain significance. Review status: criteria provided, multiple submitters, no conflicts (2 of 4 stars). 2 submissions from 2 submitters: Uncertain significance (2). Last evaluated 2025-04-14.

Conditions:
Inborn genetic diseases. Identifiers: MedGen C0950123, MeSH D030342.

Allele frequency attached by ClinVar (database versions not stated): gnomAD exomes below 0.00001.
gnomAD v4.1: 2 of 1,614,190 alleles (0.00012%); highest among the groups gnomAD compares: Non-Finnish European, 0.00017%; no homozygotes.

Submissions (2):

Ambry Genetics
Classification: Uncertain significance for Inborn genetic diseases. Last evaluated: 2025-04-14. Review status: criteria provided, single submitter. Criteria: Ambry Variant Classification Scheme 2023. Collection method: clinical testing. Allele origin: germline.

Labcorp Genetics (formerly Invitae), Labcorp
Classification: Uncertain significance. Last evaluated: 2023-11-15. Review status: criteria provided, single submitter. Criteria: Invitae Variant Classification Sherloc (09022015). Collection method: clinical testing. Allele origin: germline.
Comment: This sequence change replaces isoleucine, which is neutral and non-polar, with valine, which is neutral and non-polar, at codon 1565 of the COL4A1 protein (p.Ile1565Val). This variant is not present in population databases (gnomAD no frequency). This variant has not been reported in the literature in individuals affected with COL4A1-related conditions. Experimental studies and prediction algorithms are not available or were not evaluated, and the functional significance of this variant is currently unknown. In summary, the available evidence is currently insufficient to determine the role of this variant in disease. Therefore, it has been classified as a Variant of Uncertain Significance.